The following is an entry in ClinVar:

NM_182961.4(SYNE1):c.21728G>T (p.Arg7243Ile)

Gene: SYNE1 (spectrin repeat containing nuclear envelope protein 1; minus strand). Cytogenetic location: 6q25.2.
Variant type: single nucleotide variant.
Coding change: c.21728G>T on transcript NM_182961.4 (MANE Select); coding-DNA position 21728, G replaced by T.
Protein change: p.Arg7243Ile; replaces arginine 7243 with isoleucine.
Molecular consequence: missense variant.
Genome position (GRCh38, 1-based): chr6:152,220,975, C>A on the plus strand (G>T on the coding strand, the complement: SYNE1 is on the minus strand). VCF-style: chr6-152220975-C-A. GRCh37 (hg19) VCF-style: chr6-152542110-C-A.
Other names: c.21515G>T, p.Arg7172Ile (NM_033071.5); short protein forms R7172I, R7243I.
Identifiers: ClinVar variation 3365561 (VCV003365561.1).
Genomic context (GRCh38, chr6:152,220,975, plus strand): 5'-TTGGTTCGATCCTCCTGCTGCTGAACTGTCGAAGCACACTGTTTGGAGTAGTCCTTGTAT[C>A]TTTGCCAAAGCTGAAGTAGGGCCTTGCTGGACTGTAGCTGCTCAGCAATCTCTTCCAGCA-3'
Protein context (NP_892006.3, residues 7233-7253): SSKALLQLWQ[Arg7243Ile]YKDYSKQCAS

ClinVar aggregate classification (germline): Uncertain significance (1 of 4 stars; one submission).

gnomAD v4.1: 1 of 1,614,136 alleles (0.000062%); highest among the groups gnomAD compares: Non-Finnish European, 0.000085%; no homozygotes.

Submission:

GeneDx
Classification: Uncertain significance. Last evaluated: 2023-12-14. Review status: criteria provided, single submitter. Criteria: GeneDx Variant Classification Process June 2021. Collection method: clinical testing. Allele origin: germline. Affected: yes.
Comment: Not observed at significant frequency in large population cohorts (gnomAD); In silico analysis supports that this missense variant has a deleterious effect on protein structure/function; Has not been previously published as pathogenic or benign to our knowledge